The following is an entry in ClinVar:

ClinVar aggregate classification (germline): Benign (0 of 4 stars; one submission).

Conditions:
DNAH17-related disorder. Also called: DNAH17-related condition.

Allele frequency attached by ClinVar (database versions not stated): 1000 Genomes Project 0.00859; 1000 Genomes Project 30x 0.00999; TOPMed 0.01636; gnomAD 0.01767; ESP Exome Variant Server 0.01953; gnomAD exomes 0.02424.
gnomAD v4.1: 37,902 of 1,611,756 alleles (2.4%); highest among the groups gnomAD compares: Non-Finnish European, 2.7%; 533 homozygotes.

Submission:

PreventionGenetics, part of Exact Sciences
Classification: Benign for DNAH17-related condition. Last evaluated: 2019-02-20. Review status: no assertion criteria provided. Collection method: clinical testing. Allele origin: germline.
Comment: This variant is classified as benign based on ACMG/AMP sequence variant interpretation guidelines (Richards et al. 2015 PMID: 25741868, with internal and published modifications).

NM_173628.4(DNAH17):c.2200G>A (p.Val734Ile)

Gene: DNAH17 (dynein axonemal heavy chain 17; minus strand). Cytogenetic location: 17q25.3.
Variant type: single nucleotide variant.
Coding change: c.2200G>A on transcript NM_173628.4 (MANE Select); coding-DNA position 2200, G replaced by A.
Protein change: p.Val734Ile; replaces valine 734 with isoleucine.
Molecular consequence: missense variant.
Genome position (GRCh38, 1-based): chr17:78,552,784, C>T on the plus strand (G>A on the coding strand, the complement: DNAH17 is on the minus strand). VCF-style: chr17-78552784-C-T. GRCh37 (hg19) VCF-style: chr17-76548866-C-T.
Other names: short protein forms V734I.
Identifiers: ClinVar variation 3038117 (VCV003038117.2), dbSNP rs61745194, ClinGen allele CA8804823.
Genomic context (GRCh38, chr17:78,552,784, plus strand): 5'-CAGCGCTCAATAACTTGACATCAATTGCTTCCAGTTCTGACTTTATTAGTAGAAATTCTA[C>T]TGCCTTCACTATAGTCTTTATCTGAAAAACAGAGGTGACAGGTTTTGTTCCGAGTCCAAC-3'
Protein context (NP_775899.3, residues 724-744): YNEIKTIVKA[Val734Ile]EFLLIKSELE